The following is an entry in ClinVar:

NM_145045.5(ODAD3):c.599C>G (p.Thr200Arg)

Gene: ODAD3 (outer dynein arm docking complex subunit 3; minus strand). Cytogenetic location: 19p13.2.
Variant type: single nucleotide variant.
Coding change: c.599C>G on transcript NM_145045.5 (MANE Select); coding-DNA position 599, C replaced by G.
Protein change: p.Thr200Arg; replaces threonine 200 with arginine.
Molecular consequence: missense variant.
Genome position (GRCh38, 1-based): chr19:11,426,886, G>C on the plus strand (C>G on the coding strand, the complement: ODAD3 is on the minus strand). VCF-style: chr19-11426886-G-C. GRCh37 (hg19) VCF-style: chr19-11537706-G-C.
Other names: c.437C>G, p.Thr146Arg (NM_001302453.1); c.521C>G, p.Thr174Arg (NM_001302454.2); short protein forms T146R, T174R, T200R.
Identifiers: ClinVar variation 3724681 (VCV003724681.2).

ClinVar aggregate classification (germline): Uncertain significance (1 of 4 stars; one submission).

Conditions:
Primary ciliary dyskinesia 30. Also called: CILIARY DYSKINESIA, PRIMARY, 30, WITH OR WITHOUT SITUS INVERSUS. Identifiers: Orphanet 244, MedGen C4015016, MONDO:0014465, OMIM 616037.

gnomAD v4.1: 4 of 1,609,344 alleles (0.00025%); highest among the groups gnomAD compares: Non-Finnish European, 0.00034%; no homozygotes.

Submission:

Labcorp Genetics (formerly Invitae), Labcorp
Classification: Uncertain significance for Primary ciliary dyskinesia 30. Last evaluated: 2024-11-11. Review status: criteria provided, single submitter. Criteria: Invitae Variant Classification Sherloc (09022015). Collection method: clinical testing. Allele origin: germline.
Comment: This sequence change replaces threonine, which is neutral and polar, with arginine, which is basic and polar, at codon 200 of the CCDC151 protein (p.Thr200Arg). This variant is not present in population databases (gnomAD no frequency). This variant has not been reported in the literature in individuals affected with CCDC151-related conditions. An algorithm developed to predict the effect of missense changes on protein structure and function (PolyPhen-2) suggests that this variant is likely to be disruptive. In summary, the available evidence is currently insufficient to determine the role of this variant in disease. Therefore, it has been classified as a Variant of Uncertain Significance.